The following is an entry in ClinVar:

ClinVar aggregate classification (germline): Likely benign (0 of 4 stars; one submission).

Conditions:
MLLT10-related disorder. Also called: MLLT10-related condition.

Allele frequency attached by ClinVar (database versions not stated): ExAC 0.00006; TOPMed 0.00009; gnomAD 0.00015; 1000 Genomes Project 30x 0.00031; 1000 Genomes Project 0.00040.
gnomAD v4.1: 277 of 1,613,850 alleles (0.017%); highest among the groups gnomAD compares: Non-Finnish European, 0.021%; 1 homozygote.

Submission:

PreventionGenetics, part of Exact Sciences
Classification: Likely benign for MLLT10-related condition. Last evaluated: 2019-07-15. Review status: no assertion criteria provided. Collection method: clinical testing. Allele origin: germline.
Comment: This variant is classified as likely benign based on ACMG/AMP sequence variant interpretation guidelines (Richards et al. 2015 PMID: 25741868, with internal and published modifications).

NM_001195626.3(MLLT10):c.1200T>C (p.His400=)

Gene: MLLT10 (MLLT10 histone lysine methyltransferase DOT1L cofactor; plus strand). Cytogenetic location: 10p12.31.
Variant type: single nucleotide variant.
Coding change: c.1200T>C on transcript NM_001195626.3 (MANE Select); coding-DNA position 1200, T replaced by C.
Protein change: p.His400=; no amino-acid change (histidine 400 retained).
Molecular consequence: synonymous variant. On other transcripts: non-coding transcript variant (1).
Genome position (GRCh38, 1-based): chr10:21,673,498, T>C. VCF-style: chr10-21673498-T-C. GRCh37 (hg19) VCF-style: chr10-21962427-T-C.
Other names: c.465T>C, p.His155= (NM_001324297.2); c.1200T>C, p.His400= (NM_004641.4).
Identifiers: ClinVar variation 3050599 (VCV003050599.2), dbSNP rs201326052, ClinGen allele CA5434773.